The following is an entry in ClinVar:

NM_002292.4(LAMB2):c.883G>A (p.Ala295Thr)

Gene: LAMB2 (laminin subunit beta 2; minus strand). Cytogenetic location: 3p21.31.
Variant type: single nucleotide variant.
Coding change: c.883G>A on transcript NM_002292.4 (MANE Select); coding-DNA position 883, G replaced by A.
Protein change: p.Ala295Thr; replaces alanine 295 with threonine.
Molecular consequence: missense variant.
Genome position (GRCh38, 1-based): chr3:49,130,982, C>T on the plus strand (G>A on the coding strand, the complement: LAMB2 is on the minus strand). VCF-style: chr3-49130982-C-T. GRCh37 (hg19) VCF-style: chr3-49168415-C-T.
Other names: c.883G>A (NM_002292.3); short protein forms A295T.
Identifiers: ClinVar variation 1980872 (VCV001980872.6), dbSNP rs764749398, ClinGen allele CA2394776.
Genomic context (GRCh38, chr3:49,130,982, plus strand): 5'-CCTATCCCAACCGTCTGAAGCCCCTTACCATGCCCTCAGCATGGGCTGGTGCCCCTGGGG[C>T]GGGTGCACACTCTGAGGCGTGTCCGTAGCAGAAGCAGTTGCCACGTACAACCAGCTCATA-3'
Protein context (NP_002283.3, residues 285-305): CYGHASECAP[Ala295Thr]PGAPAHAEGM

ClinVar aggregate classification (germline): Uncertain significance. Review status: criteria provided, multiple submitters, no conflicts (2 of 4 stars). 2 submissions from 2 submitters: Uncertain significance (2). Last evaluated 2026-01-02.

Conditions:
Inborn genetic diseases. Identifiers: MedGen C0950123, MeSH D030342.
Pierson syndrome. Also called: MICROCORIA-CONGENITAL NEPHROTIC SYNDROME. Identifiers: Orphanet 2670, MedGen C1836876, MONDO:0012184, OMIM 609049.
LAMB2-related infantile-onset nephrotic syndrome. Also called: Nephrotic Syndrome, type 5; NEPHROTIC SYNDROME, TYPE 5, WITHOUT OCULAR ABNORMALITIES; NEPHROTIC SYNDROME, TYPE 5, WITH OCULAR ABNORMALITIES. Identifiers: Orphanet 306507, MedGen C3280113, MONDO:0013621, OMIM 614199.

Allele frequency attached by ClinVar (database versions not stated): TOPMed below 0.00001; gnomAD 0.00001; ExAC 0.00002; gnomAD exomes 0.00002.

Submissions (2):

Labcorp Genetics (formerly Invitae), Labcorp
Classification: Uncertain significance for LAMB2-related infantile-onset nephrotic syndrome; Pierson syndrome. Last evaluated: 2026-01-02. Review status: criteria provided, single submitter. Criteria: Invitae Variant Classification Sherloc (09022015). Collection method: clinical testing. Allele origin: germline.
Comment: This sequence change replaces alanine, which is neutral and non-polar, with threonine, which is neutral and polar, at codon 295 of the LAMB2 protein (p.Ala295Thr). This variant is present in population databases (rs764749398, gnomAD 0.006%). This variant has not been reported in the literature in individuals affected with LAMB2-related conditions. ClinVar contains an entry for this variant (Variation ID: 1980872). An algorithm developed to predict the effect of missense changes on protein structure and function (PolyPhen-2) suggests that this variant is likely to be disruptive. In summary, the available evidence is currently insufficient to determine the role of this variant in disease. Therefore, it has been classified as a Variant of Uncertain Significance.

Ambry Genetics
Classification: Uncertain significance for Inborn genetic diseases. Last evaluated: 2023-04-18. Review status: criteria provided, single submitter. Criteria: Ambry Variant Classification Scheme 2023. Collection method: clinical testing. Allele origin: germline.